The following is an entry in ClinVar:

NM_031220.4(PITPNM3):c.2453G>A (p.Arg818Gln)

Gene: PITPNM3 (PITPNM family member 3; minus strand). Cytogenetic location: 17p13.2.
Variant type: single nucleotide variant.
Coding change: c.2453G>A on transcript NM_031220.4 (MANE Select); coding-DNA position 2453, G replaced by A.
Protein change: p.Arg818Gln; replaces arginine 818 with glutamine.
Molecular consequence: missense variant.
Genome position (GRCh38, 1-based): chr17:6,461,410, C>T on the plus strand (G>A on the coding strand, the complement: PITPNM3 is on the minus strand). VCF-style: chr17-6461410-C-T. GRCh37 (hg19) VCF-style: chr17-6364730-C-T.
Other names: c.2345G>A, p.Arg782Gln (NM_001165966.2); short protein forms R818Q, R782Q.
Identifiers: ClinVar variation 1358542 (VCV001358542.6), dbSNP rs769380932, ClinGen allele CA8329173.

ClinVar aggregate classification (germline): Uncertain significance (1 of 4 stars; one submission).

Allele frequency attached by ClinVar (database versions not stated): gnomAD exomes below 0.00001 and 0.00001; ExAC 0.00001; gnomAD 0.00001.
gnomAD v4.1: 5 of 1,614,020 alleles (0.00031%); highest among the groups gnomAD compares: East Asian, 0.0045%; no homozygotes.

Submission:

Labcorp Genetics (formerly Invitae), Labcorp
Classification: Uncertain significance. Last evaluated: 2022-10-24. Review status: criteria provided, single submitter. Criteria: Invitae Variant Classification Sherloc (09022015). Collection method: clinical testing. Allele origin: germline.
Comment: In summary, the available evidence is currently insufficient to determine the role of this variant in disease. Therefore, it has been classified as a Variant of Uncertain Significance. Advanced modeling of protein sequence and biophysical properties (such as structural, functional, and spatial information, amino acid conservation, physicochemical variation, residue mobility, and thermodynamic stability) has been performed at Invitae for this missense variant, however the output from this modeling did not meet the statistical confidence thresholds required to predict the impact of this variant on PITPNM3 protein function. ClinVar contains an entry for this variant (Variation ID: 1358542). This variant has not been reported in the literature in individuals affected with PITPNM3-related conditions. This variant is present in population databases (rs769380932, gnomAD 0.0009%). This sequence change replaces arginine, which is basic and polar, with glutamine, which is neutral and polar, at codon 818 of the PITPNM3 protein (p.Arg818Gln).